The following is an entry in ClinVar:

ClinVar aggregate classification (germline): Uncertain significance. Review status: criteria provided, multiple submitters, no conflicts (2 of 4 stars). 2 submissions from 2 submitters: Uncertain significance (2). Last evaluated 2024-05-31.

Conditions:
Cystic fibrosis (CF). Also called: MUCOVISCIDOSIS. Identifiers: Orphanet 586, MedGen C0010674, MONDO:0009061, OMIM 219700. Disease mechanism: loss of function.

Allele frequency attached by ClinVar (database versions not stated): gnomAD exomes below 0.00001.
gnomAD v4.1: 4 of 1,612,944 alleles (0.00025%); highest among the groups gnomAD compares: Admixed American, 0.0067%; no homozygotes.

Submissions (2):

GeneDx
Classification: Uncertain significance. Last evaluated: 2024-05-31. Review status: criteria provided, single submitter. Criteria: GeneDx Variant Classification Process June 2021. Collection method: clinical testing. Allele origin: germline. Affected: yes.
Comment: In silico analysis indicates that this missense variant does not alter protein structure/function; Has not been previously published as pathogenic or benign to our knowledge

Ambry Genetics
Classification: Uncertain significance for Cystic fibrosis. Last evaluated: 2023-02-06. Review status: criteria provided, single submitter. Criteria: Ambry Variant Classification Scheme 2023. Collection method: clinical testing. Allele origin: germline.
Comment: The p.A412S variant (also known as c.1234G>T), located in coding exon 10 of the CFTR gene, results from a G to T substitution at nucleotide position 1234. The alanine at codon 412 is replaced by serine, an amino acid with similar properties. This amino acid position is not well conserved in available vertebrate species. In addition, the in silico prediction for this alteration is inconclusive. Since supporting evidence is limited at this time, the clinical significance of this alteration remains unclear.

NM_000492.4(CFTR):c.1234G>T (p.Ala412Ser)

Genes: CFTR (CF transmembrane conductance regulator; plus strand), CFTR-AS1 (CFTR antisense RNA 1; minus strand). Cytogenetic location: 7q31.2.
Variant type: single nucleotide variant.
Coding change: c.1234G>T on transcript NM_000492.4 (MANE Select); coding-DNA position 1234, G replaced by T.
Protein change: p.Ala412Ser; replaces alanine 412 with serine.
Molecular consequence: missense variant.
Genome position (GRCh38, 1-based): chr7:117,548,665, G>T. VCF-style: chr7-117548665-G-T. GRCh37 (hg19) VCF-style: chr7-117188719-G-T.
Other names: short protein forms A412S.
Identifiers: ClinVar variation 2447421 (VCV002447421.3), dbSNP rs1479794992, ClinGen allele CA368981384.
Genomic context (GRCh38, chr7:117,548,665, plus strand): 5'-GATGTGTGTGTGTGTGTGTGTGTGTTTTTTTAACAGGGATTTGGGGAATTATTTGAGAAA[G>T]CAAAACAAAACAATAACAATAGAAAAACTTCTAATGGTGATGACAGCCTCTTCTTCAGTA-3'
Protein context (NP_000483.3, residues 402-422): EEGFGELFEK[Ala412Ser]KQNNNNRKTS